The following is an entry in ClinVar:

NM_000234.3(LIG1):c.1822-131G>A

Gene: LIG1 (DNA ligase 1; minus strand). Cytogenetic location: 19q13.33.
Variant type: single nucleotide variant.
Coding change: c.1822-131G>A on transcript NM_000234.3 (MANE Select); 131 bases into the intron before coding-DNA position 1822, G replaced by A.
Molecular consequence: intron variant.
Genome position (GRCh38, 1-based): chr19:48,128,151, C>T on the plus strand (G>A on the coding strand, the complement: LIG1 is on the minus strand). VCF-style: chr19-48128151-C-T. GRCh37 (hg19) VCF-style: chr19-48631408-C-T.
Other names: c.1729-131G>A (NM_001289063.2); c.1732-131G>A (NM_001320971.2); c.1618-131G>A (NM_001289064.2); c.1819-131G>A (NM_001320970.2).
Identifiers: ClinVar variation 2628277 (VCV002628277.2), dbSNP rs156641, ClinGen allele CA14707570.

ClinVar aggregate classification (germline): Benign (1 of 4 stars; one submission).

Allele frequency attached by ClinVar (database versions not stated): TOPMed 0.28376; gnomAD 0.29894; 1000 Genomes Project 30x 0.31106; 1000 Genomes Project 0.32029; gnomAD exomes 0.36595.
gnomAD v4.1: 260,705 of 740,756 alleles (35%); highest among the groups gnomAD compares: East Asian, 56%; 49,091 homozygotes.

Submission:

Unidad de Genómica Garrahan, Hospital de Pediatría Garrahan
Classification: Benign. Last evaluated: 2023-11-12. Review status: criteria provided, single submitter. Criteria: ACMG Guidelines, 2015. Collection method: clinical testing. Allele origin: germline. Affected: no. Observed: 22 variant alleles.
Comment: This variant is classified as Benign based on local population frequency. This variant was detected in 23% of patients studied by a panel of primary immunodeficiencies. Number of patients: 22. Only high quality variants are reported.